The following is an entry in ClinVar:

ClinVar aggregate classification (germline): Uncertain significance. Review status: criteria provided, multiple submitters, no conflicts (2 of 4 stars). 3 submissions from 3 submitters: Uncertain significance (3). Last evaluated 2022-10-04.

Conditions:
Inborn genetic diseases. Identifiers: MedGen C0950123, MeSH D030342.
Combined deficiency of sialidase AND beta galactosidase (GSL). Also called: CATHEPSIN A DEFICIENCY; GOLDBERG SYNDROME; NEURAMINIDASE DEFICIENCY WITH BETA-GALACTOSIDASE DEFICIENCY; NEURAMINIDASE/BETA-GALACTOSIDASE EXPRESSION; PPCA DEFICIENCY; PROTECTIVE PROTEIN/CATHEPSIN A DEFICIENCY. Identifiers: Orphanet 351, MedGen C0268233, MONDO:0009737, OMIM 256540.

Allele frequency attached by ClinVar (database versions not stated): gnomAD exomes 0.00001 and 0.00004; ExAC 0.00003; gnomAD 0.00004; TOPMed 0.00006.
gnomAD v4.1: 26 of 1,614,004 alleles (0.0016%); highest among the groups gnomAD compares: African/African-American, 0.019%; no homozygotes.

Submissions (3):

Labcorp Genetics (formerly Invitae), Labcorp
Classification: Uncertain significance for Combined deficiency of sialidase AND beta galactosidase. Last evaluated: 2022-10-04. Review status: criteria provided, single submitter. Criteria: Invitae Variant Classification Sherloc (09022015). Collection method: clinical testing. Allele origin: germline.
Comment: This sequence change replaces alanine, which is neutral and non-polar, with threonine, which is neutral and polar, at codon 168 of the CTSA protein (p.Ala168Thr). This variant is present in population databases (rs779275701, gnomAD 0.02%). This variant has not been reported in the literature in individuals affected with CTSA-related conditions. ClinVar contains an entry for this variant (Variation ID: 898717). Algorithms developed to predict the effect of missense changes on protein structure and function are either unavailable or do not agree on the potential impact of this missense change (SIFT: "Not Available"; PolyPhen-2: "Possibly Damaging"; Align-GVGD: "Not Available"). In summary, the available evidence is currently insufficient to determine the role of this variant in disease. Therefore, it has been classified as a Variant of Uncertain Significance.

Ambry Genetics
Classification: Uncertain significance for Inborn genetic diseases. Last evaluated: 2022-03-11. Review status: criteria provided, single submitter. Criteria: Ambry Variant Classification Scheme 2023. Collection method: clinical testing. Allele origin: germline.

Illumina Laboratory Services, Illumina
Classification: Uncertain significance for Combined deficiency of sialidase AND beta galactosidase. Last evaluated: 2018-01-13. Review status: criteria provided, single submitter. Criteria: ICSL Variant Classification Criteria 13 December 2019. Collection method: clinical testing. Allele origin: germline.

NM_000308.4(CTSA):c.448G>A (p.Ala150Thr)

Gene: CTSA (cathepsin A; plus strand). Cytogenetic location: 20q13.12.
Variant type: single nucleotide variant.
Coding change: c.448G>A on transcript NM_000308.4 (MANE Select); coding-DNA position 448, G replaced by A.
Protein change: p.Ala150Thr; replaces alanine 150 with threonine.
Molecular consequence: missense variant. On other transcripts: non-coding transcript variant (1).
Genome position (GRCh38, 1-based): chr20:45,892,728, G>A. VCF-style: chr20-45892728-G-A. GRCh37 (hg19) VCF-style: chr20-44521367-G-A.
Other names: c.448G>A, p.Ala150Thr (NM_001127695.3); c.397G>A, p.Ala133Thr (NM_001167594.3); short protein forms A150T, A133T.
Identifiers: ClinVar variation 898717 (VCV000898717.7), dbSNP rs779275701, ClinGen allele CA9883049.